The following is an entry in ClinVar:

ClinVar aggregate classification (germline): Likely benign (1 of 4 stars; one submission).

Allele frequency attached by ClinVar (database versions not stated): gnomAD exomes below 0.00001.
gnomAD v4.1: 2 of 1,613,656 alleles (0.00012%); highest among the groups gnomAD compares: Non-Finnish European, 0.00017%; no homozygotes.

Submission:

CeGaT Center for Human Genetics Tuebingen
Classification: Likely benign. Last evaluated: 2022-07-01. Review status: criteria provided, single submitter. Criteria: CeGaT Center For Human Genetics Tuebingen Variant Classification Criteria Version 2. Collection method: clinical testing. Allele origin: germline. Affected: yes. Observed: 1 variant allele.
Comment: SOX5: PM2, BS2

NM_006940.6(SOX5):c.1346A>G (p.Tyr449Cys)

Gene: SOX5 (SRY-box transcription factor 5; minus strand). Cytogenetic location: 12p12.1.
Variant type: single nucleotide variant.
Coding change: c.1346A>G on transcript NM_006940.6 (MANE Select); coding-DNA position 1346, A replaced by G.
Protein change: p.Tyr449Cys; replaces tyrosine 449 with cysteine.
Molecular consequence: missense variant. On other transcripts: intron variant (1).
Genome position (GRCh38, 1-based): chr12:23,563,400, T>C on the plus strand (A>G on the coding strand, the complement: SOX5 is on the minus strand). VCF-style: chr12-23563400-T-C. GRCh37 (hg19) VCF-style: chr12-23716334-T-C.
Other names: c.1316A>G, p.Tyr439Cys (NM_001261415.3); c.1241A>G, p.Tyr414Cys (NM_001330785.2); c.1307A>G, p.Tyr436Cys (NM_152989.5); c.188A>G, p.Tyr63Cys (NM_178010.4); c.1126-16976A>G (NM_001261414.3); short protein forms Y414C, Y436C, Y439C, Y449C, Y63C.
Identifiers: ClinVar variation 1701192 (VCV001701192.31), dbSNP rs1946546111, ClinGen allele CA384317250.